The following is an entry in ClinVar:

NM_001080517.3(SETD5):c.2269C>T (p.Arg757Cys)

Gene: SETD5 (SET domain containing 5; plus strand). Cytogenetic location: 3p25.3.
Variant type: single nucleotide variant.
Coding change: c.2269C>T on transcript NM_001080517.3 (MANE Select); coding-DNA position 2269, C replaced by T.
Protein change: p.Arg757Cys; replaces arginine 757 with cysteine.
Molecular consequence: missense variant.
Genome position (GRCh38, 1-based): chr3:9,448,553, C>T. VCF-style: chr3-9448553-C-T. GRCh37 (hg19) VCF-style: chr3-9490237-C-T.
Other names: c.1975C>T, p.Arg659Cys (NM_001292043.2, NM_001349451.2); short protein forms R659C, R757C.
Identifiers: ClinVar variation 2419244 (VCV002419244.6), dbSNP rs1356644705, ClinGen allele CA351701639.

ClinVar aggregate classification (germline): Uncertain significance (1 of 4 stars; one submission).

Allele frequency attached by ClinVar (database versions not stated): gnomAD exomes 0.00001; TOPMed 0.00001.
gnomAD v4.1: 12 of 1,613,730 alleles (0.00074%); highest among the groups gnomAD compares: South Asian, 0.0011%; no homozygotes.

Submission:

Labcorp Genetics (formerly Invitae), Labcorp
Classification: Uncertain significance. Last evaluated: 2025-07-31. Review status: criteria provided, single submitter. Criteria: Invitae Variant Classification Sherloc (09022015). Collection method: clinical testing. Allele origin: germline.
Comment: This sequence change replaces arginine, which is basic and polar, with cysteine, which is neutral and slightly polar, at codon 757 of the SETD5 protein (p.Arg757Cys). This variant is present in population databases (no rsID available, gnomAD no frequency). This missense change has been observed in individual(s) with SETD5-related neurodevelopmental syndrome (PMID: 28191889, 33004838). This variant is also known as c.1975C>T (p.Arg659Cys) or c.2386C>T (p.Arg796Cys). ClinVar contains an entry for this variant (Variation ID: 2419244). Invitae Evidence Modeling of protein sequence and biophysical properties (such as structural, functional, and spatial information, amino acid conservation, physicochemical variation, residue mobility, and thermodynamic stability) indicates that this missense variant is expected to disrupt SETD5 protein function with a positive predictive value of 80%. In summary, the available evidence is currently insufficient to determine the role of this variant in disease. Therefore, it has been classified as a Variant of Uncertain Significance.

Literature cited by the submitters: PubMed 28191889; PubMed 33004838.